The following is an entry in ClinVar:

NM_000059.4(BRCA2):c.7115_7120delinsGC (p.Ser2372fs)

Gene: BRCA2 (BRCA2 DNA repair associated; plus strand). Cytogenetic location: 13q13.1.
Variant type: Indel.
Coding change: c.7115_7120delinsGC on transcript NM_000059.4 (MANE Select); coding-DNA positions 7115 to 7120, CAAGCA replaced by GC.
Protein change: p.Ser2372fs; shifts the reading frame from serine 2372.
Molecular consequence: frameshift variant. On other transcripts: non-coding transcript variant (1).
Genome position (GRCh38, 1-based): chr13:32,354,968-32,354,973, CAAGCA replaced by GC. VCF-style: chr13-32354968-CAAGCA-GC. GRCh37 (hg19) VCF-style: chr13-32929105-CAAGCA-GC.
Other names: c.7019_7024delinsGC, p.Ser2340fs (NM_001406719.1); c.7115_7120delinsGC, p.Ser2372fs (NM_001406720.1, NM_001432077.1); c.2183_2188delinsGC, p.Ser728fs (NM_001406721.1); c.698_703delinsGC, p.Ser233fs (NM_001406722.1); short protein forms S233fs, S2340fs, S2372fs, S728fs.
Identifiers: ClinVar variation 409498 (VCV000409498.9), dbSNP rs1064792962, ClinGen allele CA16614348.

ClinVar aggregate classification (germline): Pathogenic. Review status: reviewed by expert panel (3 of 4 stars). 4 submissions from 4 submitters: Pathogenic (1). 3 of the submissions do not count toward it. Last evaluated 2017-12-15.

Conditions:
Hereditary breast ovarian cancer syndrome. Also called: Hereditary breast and ovarian cancer syndrome; Hereditary breast and/or ovarian cancer syndrome; BRCA1- and BRCA2-Associated Hereditary Breast and Ovarian Cancer; Hereditary breast and ovarian cancer syndrome (HBOC); Hereditary breast and ovarian cancer; Breast and ovarian cancer. Identifiers: Orphanet 145, MedGen C0677776, MeSH D061325, MONDO:0003582. Disease mechanism: loss of function.
Breast-ovarian cancer, familial, susceptibility to, 2 (BROVCA2). Also called: BRCA2 Hereditary Breast and Ovarian Cancer. Identifiers: Orphanet 145, MedGen C2675520, MONDO:0012933, OMIM 612555. Disease mechanism: loss of function.
Hereditary cancer-predisposing syndrome. Also called: Hereditary neoplastic syndrome; Neoplastic Syndromes, Hereditary; Tumor predisposition; Hereditary Cancer Syndrome. Identifiers: Orphanet 140162, MedGen C0027672, MeSH D009386, MONDO:0015356.

Submissions (4):

Evidence-based Network for the Interpretation of Germline Mutant Alleles (ENIGMA)
Classification: Pathogenic for Breast-ovarian cancer, familial, susceptibility to, 2. Last evaluated: 2017-12-15. Review status: reviewed by expert panel. Criteria: ENIGMA BRCA1/2 Classification Criteria (2017-06-29). Collection method: curation. Allele origin: germline. Study: ENIGMA.
Comment: Variant allele predicted to encode a truncated non-functional protein.

Quest Diagnostics Nichols Institute San Juan Capistrano
Classification: Pathogenic. Last evaluated: 2025-03-07. Review status: criteria provided, single submitter. Criteria: Quest Diagnostics criteria. Collection method: clinical testing. Allele origin: unknown. Not counted in ClinVar's aggregate classification.
Comment: The BRCA2 c.7115_7120delinsGC (p.Ser2372Cysfs*3) variant alters the translational reading frame of the BRCA2 mRNA and causes the premature termination of BRCA2 protein synthesis. This variant has not been reported in individuals with BRCA2-related conditions in the published literature. This variant has not been reported in large, multi-ethnic general populations (Genome Aggregation Database). Based on the available information, this variant is classified as pathogenic.

Ambry Genetics
Classification: Pathogenic for Hereditary cancer-predisposing syndrome. Last evaluated: 2025-01-14. Review status: criteria provided, single submitter. Criteria: Ambry Variant Classification Scheme 2023. Collection method: clinical testing. Allele origin: germline. Not counted in ClinVar's aggregate classification.
Comment: The c.7115_7120delCAAGCAinsGC pathogenic mutation, located in coding exon 13 of the BRCA2 gene, results from the deletion of 6 nucleotides and insertion of two nucleotides causing a translational frameshift with a predicted alternate stop codon (p.S2372Cfs*3). This alteration is expected to result in loss of function by premature protein truncation or nonsense-mediated mRNA decay. As such, this alteration is interpreted as a disease-causing mutation.

Labcorp Genetics (formerly Invitae), Labcorp
Classification: Pathogenic for Hereditary breast ovarian cancer syndrome. Last evaluated: 2023-03-10. Review status: criteria provided, single submitter. Criteria: Invitae Variant Classification Sherloc (09022015). Collection method: clinical testing. Allele origin: germline. Not counted in ClinVar's aggregate classification.
Comment: This sequence change creates a premature translational stop signal (p.Ser2372Cysfs*3) in the BRCA2 gene. It is expected to result in an absent or disrupted protein product. Loss-of-function variants in BRCA2 are known to be pathogenic (PMID: 20104584). This variant is not present in population databases (gnomAD no frequency). This variant has not been reported in the literature in individuals affected with BRCA2-related conditions. For these reasons, this variant has been classified as Pathogenic.

Literature cited by the submitters: PubMed 20104584 (cited by Labcorp Genetics (formerly Invitae), Labcorp).